The following is an entry in ClinVar:

NM_020843.4(SCAPER):c.67C>T (p.Arg23Cys)

Gene: SCAPER (S-phase cyclin A associated protein in the ER; minus strand). Cytogenetic location: 15q24.3.
Variant type: single nucleotide variant.
Coding change: c.67C>T on transcript NM_020843.4 (MANE Select); coding-DNA position 67, C replaced by T.
Protein change: p.Arg23Cys; replaces arginine 23 with cysteine.
Molecular consequence: missense variant. On other transcripts: 5 prime UTR variant (3), non-coding transcript variant (1).
Genome position (GRCh38, 1-based): chr15:76,862,473, G>A on the plus strand (C>T on the coding strand, the complement: SCAPER is on the minus strand). VCF-style: chr15-76862473-G-A. GRCh37 (hg19) VCF-style: chr15-77154814-G-A.
Other names: c.67C>T, p.Arg23Cys (NM_001353009.2); c.-391C>T (NM_001353010.2); c.-454C>T (NM_001353011.2); c.-336C>T (NM_001353012.2); short protein forms R23C.
Identifiers: ClinVar variation 4076398 (VCV004076398.1).

ClinVar aggregate classification (germline): Uncertain significance (1 of 4 stars; one submission).

Conditions:
Intellectual developmental disorder and retinitis pigmentosa; IDDRP. Also called: INTELLECTUAL DEVELOPMENTAL DISORDER AND RETINITIS PIGMENTOSA. Identifiers: MedGen C4748658, MONDO:0032594, OMIM 618195.

gnomAD v4.1: 4 of 1,613,282 alleles (0.00025%); highest among the groups gnomAD compares: African/African-American, 0.0013%; no homozygotes.

Submission:

Laboratorio de Genetica e Diagnostico Molecular, Hospital Israelita Albert Einstein
Classification: Uncertain significance for Intellectual developmental disorder and retinitis pigmentosa; IDDRP. Last evaluated: 2023-05-19. Review status: criteria provided, single submitter. Criteria: ACMG Guidelines, 2015. Collection method: clinical testing. Allele origin: germline. Affected: yes.
Comment: ACMG classification criteria: PM2 moderate